The following is an entry in ClinVar:

ClinVar aggregate classification (germline): Uncertain significance. Review status: criteria provided, multiple submitters, no conflicts (2 of 4 stars). 2 submissions from 2 submitters: Uncertain significance (2). Last evaluated 2023-02-15.

Conditions:
Psoriasis 2. Identifiers: MedGen C1864497, MONDO:0011269, OMIM 602723.
Pityriasis rubra pilaris (PRP). Also called: Pityriasis rubra pilaris--familial type. Identifiers: Orphanet 2897, MedGen C0032027, MONDO:0100017, OMIM 173200, MONDO:0008251.
Inborn genetic diseases. Identifiers: MedGen C0950123, MeSH D030342.

Allele frequency attached by ClinVar (database versions not stated): TOPMed below 0.00001.

Submissions (2):

Ambry Genetics
Classification: Uncertain significance for Inborn genetic diseases. Last evaluated: 2023-02-15. Review status: criteria provided, single submitter. Criteria: Ambry Variant Classification Scheme 2023. Collection method: clinical testing. Allele origin: germline.

Labcorp Genetics (formerly Invitae), Labcorp
Classification: Uncertain significance for Pityriasis rubra pilaris; Psoriasis 2. Last evaluated: 2023-01-14. Review status: criteria provided, single submitter. Criteria: Invitae Variant Classification Sherloc (09022015). Collection method: clinical testing. Allele origin: germline.
Comment: This variant is not present in population databases (gnomAD no frequency). This sequence change replaces serine, which is neutral and polar, with asparagine, which is neutral and polar, at codon 60 of the CARD14 protein (p.Ser60Asn). This variant has not been reported in the literature in individuals affected with CARD14-related conditions. Advanced modeling of protein sequence and biophysical properties (such as structural, functional, and spatial information, amino acid conservation, physicochemical variation, residue mobility, and thermodynamic stability) performed at Invitae indicates that this missense variant is not expected to disrupt CARD14 protein function. In summary, the available evidence is currently insufficient to determine the role of this variant in disease. Therefore, it has been classified as a Variant of Uncertain Significance.

NM_001366385.1(CARD14):c.179G>A (p.Ser60Asn)

Gene: CARD14 (caspase recruitment domain family member 14; plus strand). Cytogenetic location: 17q25.3.
Variant type: single nucleotide variant.
Coding change: c.179G>A on transcript NM_001366385.1 (MANE Select); coding-DNA position 179, G replaced by A.
Protein change: p.Ser60Asn; replaces serine 60 with asparagine.
Molecular consequence: missense variant. On other transcripts: non-coding transcript variant (1).
Genome position (GRCh38, 1-based): chr17:80,181,617, G>A. VCF-style: chr17-80181617-G-A. GRCh37 (hg19) VCF-style: chr17-78155416-G-A.
Other names: c.179G>A, p.Ser60Asn (NM_001257970.1, NM_024110.4); short protein forms S60N.
Identifiers: ClinVar variation 2485287 (VCV002485287.5), dbSNP rs1404789805, ClinGen allele CA401331864.